The following is an entry in ClinVar:

NM_001365999.1(SZT2):c.5662_5666dup (p.Pro1890fs)

Gene: SZT2 (SZT2 subunit of KICSTOR complex; plus strand). Cytogenetic location: 1p34.2.
Variant type: Duplication.
Coding change: c.5662_5666dup on transcript NM_001365999.1 (MANE Select); coding-DNA positions 5662 to 5666, 5 bases duplicated (AAGGC; older notation c.5662_5666dupAAGGC).
Protein change: p.Pro1890fs; shifts the reading frame from proline 1890.
Molecular consequence: frameshift variant.
Genome position (GRCh38, 1-based): chr1:43,433,048-43,433,052, AAGGC duplicated. VCF-style (leftmost placement, unchanged base first): chr1-43433047-G-GAAGGC. GRCh37 (hg19) VCF-style: chr1-43898718-G-GAAGGC.
Other names: c.5491_5495dup, p.Pro1833fs (NM_015284.4); c.5491_5495dupAAGGC (NM_015284.4); short protein forms P1833fs, P1890fs.
Identifiers: ClinVar variation 4853526 (VCV004853526.1).

ClinVar aggregate classification (germline): Pathogenic (1 of 4 stars; one submission).

Conditions:
Developmental and epileptic encephalopathy, 18 (DEE18). Also called: Early infantile epileptic encephalopathy 18. Identifiers: Orphanet 369894, MedGen C3809624, MONDO:0014201, OMIM 615476.

Submission:

Women's Health and Genetics/Laboratory Corporation of America, LabCorp
Classification: Pathogenic for Developmental and epileptic encephalopathy, 18. Last evaluated: 2026-05-06. Review status: criteria provided, single submitter. Criteria: LabCorp Variant Classification Summary - May 2015. Collection method: clinical testing. Allele origin: germline.
Comment: Variant summary: SZT2 c.5491_5495dupAAGGC (p.Pro1833ArgfsX50) results in a premature termination codon, predicted to cause absence of the protein due to nonsense mediated decay, which is a commonly known mechanism for disease. The variant was absent in 251450 control chromosomes. To our knowledge, no occurrence of c.5491_5495dupAAGGC in individuals affected with SZT2-related conditions and no experimental evidence demonstrating its impact on protein function have been reported. No submitters have cited clinical-significance assessments for this variant to ClinVar. Based on the evidence outlined above, the variant was classified as pathogenic.